The following is an entry in ClinVar:

NM_001166108.2(PALLD):c.2024G>A (p.Gly675Asp)

Gene: PALLD (palladin, cytoskeletal associated protein; plus strand). Cytogenetic location: 4q32.3.
Variant type: single nucleotide variant.
Coding change: c.2024G>A on transcript NM_001166108.2 (MANE Select); coding-DNA position 2024, G replaced by A.
Protein change: p.Gly675Asp; replaces glycine 675 with aspartic acid.
Molecular consequence: missense variant. On other transcripts: 5 prime UTR variant (4).
Genome position (GRCh38, 1-based): chr4:168,890,981, G>A. VCF-style: chr4-168890981-G-A. GRCh37 (hg19) VCF-style: chr4-169812132-G-A.
Other names: c.878G>A, p.Gly293Asp (NM_001166109.2); c.563G>A, p.Gly188Asp (NM_001166110.2); c.-98G>A (NM_001367567.1, NM_001367568.1, NM_001367569.1 and 1 more transcripts); c.2024G>A, p.Gly675Asp (NM_016081.4); short protein forms G675D, G188D, G293D.
Identifiers: ClinVar variation 3413554 (VCV003413554.3).

ClinVar aggregate classification (germline): Uncertain significance. Review status: criteria provided, multiple submitters, no conflicts (2 of 4 stars). 2 submissions from 2 submitters: Uncertain significance (2). Last evaluated 2024-09-21.

Conditions:
Pancreatic adenocarcinoma. Identifiers: MedGen C0281361, MONDO:0006047, HP:0006725.

Submissions (2):

Labcorp Genetics (formerly Invitae), Labcorp
Classification: Uncertain significance for Pancreatic adenocarcinoma. Last evaluated: 2024-09-21. Review status: criteria provided, single submitter. Criteria: Invitae Variant Classification Sherloc (09022015). Collection method: clinical testing. Allele origin: germline.
Comment: This sequence change replaces glycine, which is neutral and non-polar, with aspartic acid, which is acidic and polar, at codon 188 of the PALLD protein (p.Gly188Asp). This variant is not present in population databases (gnomAD no frequency). This variant has not been reported in the literature in individuals affected with PALLD-related conditions. An algorithm developed to predict the effect of missense changes on protein structure and function (PolyPhen-2) suggests that this variant is likely to be tolerated. In summary, the available evidence is currently insufficient to determine the role of this variant in disease. Therefore, it has been classified as a Variant of Uncertain Significance.

Ambry Genetics
Classification: Uncertain significance. Last evaluated: 2024-09-01. Review status: criteria provided, single submitter. Criteria: Ambry Variant Classification Scheme 2023. Collection method: clinical testing. Allele origin: germline.
Comment: The p.G675D variant (also known as c.2024G>A), located in coding exon 10 of the PALLD gene, results from a G to A substitution at nucleotide position 2024. The glycine at codon 675 is replaced by aspartic acid, an amino acid with similar properties. This amino acid position is conserved. In addition, the in silico prediction for this alteration is inconclusive. Based on the available evidence, the clinical significance of this variant remains unclear.